The following is an entry in ClinVar:

ClinVar aggregate classification (germline): Uncertain significance (1 of 4 stars; one submission).

Conditions:
Griscelli syndrome type 2 (GS2). Also called: PAID SYNDROME; PARTIAL ALBINISM AND IMMUNODEFICIENCY SYNDROME; GRISCELLI SYNDROME WITH HEMOPHAGOCYTIC SYNDROME. Identifiers: Orphanet 381, Orphanet 79477, MedGen C1868679, MONDO:0011872, OMIM 607624.

Allele frequency attached by ClinVar (database versions not stated): gnomAD exomes below 0.00001.
gnomAD v4.1: 1 of 1,613,860 alleles (0.000062%); highest among the groups gnomAD compares: Non-Finnish European, 0.000085%; no homozygotes.

Submission:

Labcorp Genetics (formerly Invitae), Labcorp
Classification: Uncertain significance for Griscelli syndrome type 2. Last evaluated: 2021-06-18. Review status: criteria provided, single submitter. Criteria: Invitae Variant Classification Sherloc (09022015). Collection method: clinical testing. Allele origin: germline.
Comment: Advanced modeling of protein sequence and biophysical properties (such as structural, functional, and spatial information, amino acid conservation, physicochemical variation, residue mobility, and thermodynamic stability) performed at Invitae indicates that this missense variant is expected to disrupt RAB27A protein function. In summary, the available evidence is currently insufficient to determine the role of this variant in disease. Therefore, it has been classified as a Variant of Uncertain Significance. This variant has been observed in individual(s) with clinical features of Griscelli syndrome type 2 (Invitae). This variant is not present in population databases (ExAC no frequency). This sequence change replaces phenylalanine with leucine at codon 99 of the RAB27A protein (p.Phe99Leu). The phenylalanine residue is highly conserved and there is a small physicochemical difference between phenylalanine and leucine.

NM_183235.3(RAB27A):c.295T>C (p.Phe99Leu)

Gene: RAB27A (RAB27A, member RAS oncogene family; minus strand). Cytogenetic location: 15q21.3.
Variant type: single nucleotide variant.
Coding change: c.295T>C on transcript NM_183235.3 (MANE Select); coding-DNA position 295, T replaced by C.
Protein change: p.Phe99Leu; replaces phenylalanine 99 with leucine.
Molecular consequence: missense variant.
Genome position (GRCh38, 1-based): chr15:55,228,657, A>G on the plus strand (T>C on the coding strand, the complement: RAB27A is on the minus strand). VCF-style: chr15-55228657-A-G. GRCh37 (hg19) VCF-style: chr15-55520855-A-G.
Other names: c.295T>C, p.Phe99Leu (NM_004580.5, NM_183234.3, NM_183236.3); short protein forms F99L.
Identifiers: ClinVar variation 1391132 (VCV001391132.8), dbSNP rs1371541124, ClinGen allele CA392530436.